The following is an entry in ClinVar:

NM_014874.4(MFN2):c.1039-12T>C

Gene: MFN2 (mitofusin 2; plus strand). Cytogenetic location: 1p36.22.
Variant type: single nucleotide variant.
Coding change: c.1039-12T>C on transcript NM_014874.4 (MANE Select); 12 bases into the intron before coding-DNA position 1039, T replaced by C.
Molecular consequence: intron variant.
Genome position (GRCh38, 1-based): chr1:12,001,970, T>C. VCF-style: chr1-12001970-T-C. GRCh37 (hg19) VCF-style: chr1-12062027-T-C.
Other names: c.1039-12T>C (NM_001127660.2).
Identifiers: ClinVar variation 2809460 (VCV002809460.3), dbSNP rs2523059673, ClinGen allele CA2574216591.

ClinVar aggregate classification (germline): Uncertain significance (1 of 4 stars; one submission).

Conditions:
Charcot-Marie-Tooth disease type 2. Also called: Charcot-Marie-Tooth type 2. Identifiers: Orphanet 64746, MedGen C0270914, MONDO:0018993.

Submission:

Labcorp Genetics (formerly Invitae), Labcorp
Classification: Uncertain significance for Charcot-Marie-Tooth disease type 2. Last evaluated: 2022-10-23. Review status: criteria provided, single submitter. Criteria: Invitae Variant Classification Sherloc (09022015). Collection method: clinical testing. Allele origin: germline.
Comment: This sequence change falls in intron 10 of the MFN2 gene. It does not directly change the encoded amino acid sequence of the MFN2 protein. This variant is not present in population databases (gnomAD no frequency). This variant has not been reported in the literature in individuals affected with MFN2-related conditions. Algorithms developed to predict the effect of sequence changes on RNA splicing suggest that this variant may create or strengthen a splice site. In summary, the available evidence is currently insufficient to determine the role of this variant in disease. Therefore, it has been classified as a Variant of Uncertain Significance.